The following is an entry in ClinVar:

NM_014141.6(CNTNAP2):c.3821C>G (p.Thr1274Ser)

Gene: CNTNAP2 (contactin associated protein 2; plus strand). Cytogenetic location: 7q36.1.
Variant type: single nucleotide variant.
Coding change: c.3821C>G on transcript NM_014141.6 (MANE Select); coding-DNA position 3821, C replaced by G.
Protein change: p.Thr1274Ser; replaces threonine 1274 with serine.
Molecular consequence: missense variant.
Genome position (GRCh38, 1-based): chr7:148,415,441, C>G. VCF-style: chr7-148415441-C-G. GRCh37 (hg19) VCF-style: chr7-148112533-C-G.
Other names: short protein forms T1274S.
Identifiers: ClinVar variation 1058495 (VCV001058495.7), dbSNP rs1275966204, ClinGen allele CA369706693.

ClinVar aggregate classification (germline): Uncertain significance (1 of 4 stars; one submission).

Conditions:
Cortical dysplasia-focal epilepsy syndrome (PTHSL1). Also called: Pitt-Hopkins-like syndrome 1. Identifiers: Orphanet 163681, Orphanet 221150, MedGen C2750246, MONDO:0012400, OMIM 610042.

Allele frequency attached by ClinVar (database versions not stated): gnomAD exomes below 0.00001.
gnomAD v4.1: 2 of 1,614,040 alleles (0.00012%); highest among the groups gnomAD compares: Non-Finnish European, 0.000085%; no homozygotes.

Submission:

Labcorp Genetics (formerly Invitae), Labcorp
Classification: Uncertain significance for Cortical dysplasia-focal epilepsy syndrome. Last evaluated: 2022-01-13. Review status: criteria provided, single submitter. Criteria: Invitae Variant Classification Sherloc (09022015). Collection method: clinical testing. Allele origin: germline.
Comment: Algorithms developed to predict the effect of sequence changes on RNA splicing suggest that this variant may create or strengthen a splice site. Algorithms developed to predict the effect of missense changes on protein structure and function are either unavailable or do not agree on the potential impact of this missense change (SIFT: "Deleterious"; PolyPhen-2: "Benign"; Align-GVGD: "Class C0"). In summary, the available evidence is currently insufficient to determine the role of this variant in disease. Therefore, it has been classified as a Variant of Uncertain Significance. This variant is not present in population databases (gnomAD no frequency). ClinVar contains an entry for this variant (Variation ID: 1058495). This variant has not been reported in the literature in individuals affected with CNTNAP2-related conditions. This sequence change replaces threonine, which is neutral and polar, with serine, which is neutral and polar, at codon 1274 of the CNTNAP2 protein (p.Thr1274Ser).